The following is an entry in ClinVar:

ClinVar aggregate classification (germline): Uncertain significance. Review status: criteria provided, multiple submitters, no conflicts (2 of 4 stars). 3 submissions from 3 submitters: Uncertain significance (3). Last evaluated 2024-10-29.

Conditions:
Inborn genetic diseases. Identifiers: MedGen C0950123, MeSH D030342.

Allele frequency attached by ClinVar (database versions not stated): gnomAD exomes 0.00003 and 0.00010; gnomAD 0.00006 and 0.00007; TOPMed 0.00006; ESP Exome Variant Server 0.00008; ExAC 0.00012.
gnomAD v4.1: 54 of 1,614,058 alleles (0.0033%); highest among the groups gnomAD compares: East Asian, 0.071%; no homozygotes.

Submissions (3):

Ambry Genetics
Classification: Uncertain significance for Inborn genetic diseases. Last evaluated: 2024-10-29. Review status: criteria provided, single submitter. Criteria: Ambry Variant Classification Scheme 2023. Collection method: clinical testing. Allele origin: germline.

Labcorp Genetics (formerly Invitae), Labcorp
Classification: Uncertain significance. Last evaluated: 2023-11-27. Review status: criteria provided, single submitter. Criteria: Invitae Variant Classification Sherloc (09022015). Collection method: clinical testing. Allele origin: germline.
Comment: This sequence change replaces glycine, which is neutral and non-polar, with serine, which is neutral and polar, at codon 371 of the CDH3 protein (p.Gly371Ser). This variant is present in population databases (rs374738611, gnomAD 0.1%). This variant has not been reported in the literature in individuals affected with CDH3-related conditions. Advanced modeling of protein sequence and biophysical properties (such as structural, functional, and spatial information, amino acid conservation, physicochemical variation, residue mobility, and thermodynamic stability) has been performed at Invitae for this missense variant, however the output from this modeling did not meet the statistical confidence thresholds required to predict the impact of this variant on CDH3 protein function. In summary, the available evidence is currently insufficient to determine the role of this variant in disease. Therefore, it has been classified as a Variant of Uncertain Significance.

Blueprint Genetics
Classification: Uncertain significance. Last evaluated: 2022-07-20. Review status: criteria provided, single submitter. Criteria: ACMG Guidelines, 2015. Collection method: clinical testing. Allele origin: germline.

NM_001793.6(CDH3):c.1111G>A (p.Gly371Ser)

Gene: CDH3 (cadherin 3; plus strand). Cytogenetic location: 16q22.1.
Variant type: single nucleotide variant.
Coding change: c.1111G>A on transcript NM_001793.6 (MANE Select); coding-DNA position 1111, G replaced by A.
Protein change: p.Gly371Ser; replaces glycine 371 with serine.
Molecular consequence: missense variant.
Genome position (GRCh38, 1-based): chr16:68,682,416, G>A. VCF-style: chr16-68682416-G-A. GRCh37 (hg19) VCF-style: chr16-68716319-G-A.
Other names: c.1111G>A, p.Gly371Ser (NM_001317195.3); c.946G>A, p.Gly316Ser (NM_001317196.2); c.1111G>A (NM_001793.4); short protein forms G316S, G371S.
Identifiers: ClinVar variation 1041027 (VCV001041027.8), dbSNP rs374738611, ClinGen allele CA8129258.